The following is an entry in ClinVar:

ClinVar aggregate classification (germline): Uncertain significance. Review status: criteria provided, multiple submitters, no conflicts (2 of 4 stars). 2 submissions from 2 submitters: Uncertain significance (2). Last evaluated 2025-09-25.

Conditions:
Emery-Dreifuss muscular dystrophy 5, autosomal dominant (EDMD5). Also called: EMERY-DREIFUSS MUSCULAR DYSTROPHY 5. Identifiers: Orphanet 261, MedGen C2751805, MONDO:0013072, OMIM 612999.

Allele frequency attached by ClinVar (database versions not stated): gnomAD exomes 0.00001 and 0.00002; ExAC 0.00002; gnomAD 0.00002; TOPMed 0.00002.
gnomAD v4.1: 8 of 1,614,094 alleles (0.0005%); highest among the groups gnomAD compares: Non-Finnish European, 0.00068%; no homozygotes.

Submissions (2):

Ambry Genetics
Classification: Uncertain significance. Last evaluated: 2025-09-25. Review status: criteria provided, single submitter. Criteria: Ambry Variant Classification Scheme 2023. Collection method: clinical testing. Allele origin: germline.

Labcorp Genetics (formerly Invitae), Labcorp
Classification: Uncertain significance for Emery-Dreifuss muscular dystrophy 5, autosomal dominant. Last evaluated: 2021-02-02. Review status: criteria provided, single submitter. Criteria: Invitae Variant Classification Sherloc (09022015). Collection method: clinical testing. Allele origin: germline.
Comment: This sequence change replaces asparagine with isoleucine at codon 2576 of the SYNE2 protein (p.Asn2576Ile). The asparagine residue is weakly conserved and there is a large physicochemical difference between asparagine and isoleucine. In summary, the available evidence is currently insufficient to determine the role of this variant in disease. Therefore, it has been classified as a Variant of Uncertain Significance. Algorithms developed to predict the effect of missense changes on protein structure and function (SIFT, PolyPhen-2, Align-GVGD) all suggest that this variant is likely to be tolerated, but these predictions have not been confirmed by published functional studies and their clinical significance is uncertain. This variant has not been reported in the literature in individuals with SYNE2-related conditions. This variant is present in population databases (rs754276862, ExAC 0.003%).

NM_182914.3(SYNE2):c.7727A>T (p.Asn2576Ile)

Gene: SYNE2 (spectrin repeat containing nuclear envelope protein 2; plus strand). Cytogenetic location: 14q23.2.
Variant type: single nucleotide variant.
Coding change: c.7727A>T on transcript NM_182914.3 (MANE Select); coding-DNA position 7727, A replaced by T.
Protein change: p.Asn2576Ile; replaces asparagine 2576 with isoleucine.
Molecular consequence: missense variant.
Genome position (GRCh38, 1-based): chr14:64,051,640, A>T. VCF-style: chr14-64051640-A-T. GRCh37 (hg19) VCF-style: chr14-64518358-A-T.
Other names: c.7727A>T (NM_182914.2); c.7727A>T, p.Asn2576Ile (NM_015180.6); short protein forms N2576I.
Identifiers: ClinVar variation 1506573 (VCV001506573.9), dbSNP rs754276862, ClinGen allele CA7221008.